The following is an entry in ClinVar:

NM_182931.3(KMT2E):c.2452C>T (p.Arg818Ter)

Gene: KMT2E (lysine methyltransferase 2E (inactive); plus strand). Cytogenetic location: 7q22.3.
Variant type: single nucleotide variant.
Coding change: c.2452C>T on transcript NM_182931.3 (MANE Select); coding-DNA position 2452, C replaced by T.
Protein change: p.Arg818Ter; replaces arginine 818 with a stop codon.
Molecular consequence: nonsense.
Genome position (GRCh38, 1-based): chr7:105,105,859, C>T. VCF-style: chr7-105105859-C-T. GRCh37 (hg19) VCF-style: chr7-104746306-C-T.
Other names: c.2452C>T, p.Arg818Ter (NM_018682.4); short protein forms R818*.
Identifiers: ClinVar variation 638171 (VCV000638171.4), dbSNP rs1584802744, ClinGen allele CA368786371.

ClinVar aggregate classification (germline): Pathogenic/Likely pathogenic. Review status: criteria provided, multiple submitters, no conflicts (2 of 4 stars). 3 submissions from 3 submitters: Pathogenic (1); Likely pathogenic (1). 1 of the submissions does not count toward it. Last evaluated 2023-05-01.

Conditions:
O'Donnell-Luria-Rodan syndrome (ODLURO). Also called: KMT2E-Related Neurodevelopmental Disorder. Identifiers: MedGen C5193138, MONDO:0032793, OMIM 618512.

Allele frequency attached by ClinVar (database versions not stated): gnomAD 0.00001.
gnomAD v4.1: 1 of 1,610,004 alleles (0.000062%); no homozygotes.

Submissions (3):

GeneDx
Classification: Pathogenic. Last evaluated: 2023-05-01. Review status: criteria provided, single submitter. Criteria: GeneDx Variant Classification Process June 2021. Collection method: clinical testing. Allele origin: germline. Affected: yes.
Comment: Nonsense variant predicted to result in protein truncation or nonsense mediated decay in a gene for which loss of function is a known mechanism of disease; Not observed at significant frequency in large population cohorts (gnomAD); This variant is associated with the following publications: (PMID: 31079897)

Broad Center for Mendelian Genomics, Broad Institute of MIT and Harvard
Classification: Likely pathogenic. Last evaluated: 2019-02-07. Review status: criteria provided, single submitter. Criteria: ACMG Guidelines, 2015. Collection method: research. Allele origin: de novo. Inheritance: Autosomal dominant inheritance. Affected: yes.
Comment: Trio exome analysis showed this variant to be de novo. The p.Arg818* variant in KMT2E has not been previously reported in individuals with intellectual disabilities or developmental delay and was absent from large population studies. This nonsense variant leads to a premature termination codon at position 818, which is predicted to lead to a truncated or absent protein. This alteration is then predicted to lead to a truncated or absent protein. It is of note, that loss of function of the KMT2E gene in autosomal dominant disease has not yet been established based on the criteria laid out in Tayoun, 2018 (PMID: 30192042). In summary, although additional studies are required to fully establish its clinical significance, this variant is likely pathogenic.

OMIM
Classification: Pathogenic for O'DONNELL-LURIA-RODAN SYNDROME. Last evaluated: 2019-07-25. Review status: no assertion criteria provided. Collection method: literature only. Allele origin: germline. Not counted in ClinVar's aggregate classification.

Literature cited by the submitters: PubMed 31079897 (cited by OMIM).